The following is an entry in ClinVar:

NM_004006.3(DMD):c.9092T>C (p.Val3031Ala)

Gene: DMD (dystrophin; minus strand). Cytogenetic location: Xp21.2.
Variant type: single nucleotide variant.
Coding change: c.9092T>C on transcript NM_004006.3 (MANE Select); coding-DNA position 9092, T replaced by C.
Protein change: p.Val3031Ala; replaces valine 3031 with alanine.
Molecular consequence: missense variant.
Genome position (GRCh38, 1-based): chrX:31,348,627, A>G on the plus strand (T>C on the coding strand, the complement: DMD is on the minus strand). VCF-style: chrX-31348627-A-G. GRCh37 (hg19) VCF-style: chrX-31366744-A-G.
Other names: c.9068T>C, p.Val3023Ala (NM_000109.4); c.9080T>C, p.Val3027Ala (NM_004009.3); c.8723T>C, p.Val2908Ala (NM_004010.3); c.5069T>C, p.Val1690Ala (NM_004011.4); c.5060T>C, p.Val1687Ala (NM_004012.4); c.1712T>C, p.Val571Ala (NM_004013.3, NM_004020.4, NM_004021.3 and 2 more transcripts); c.905T>C, p.Val302Ala (NM_004014.3); short protein forms V1687A, V1690A, V2908A, V3023A, V3027A, V302A, V3031A, V571A.
Identifiers: ClinVar variation 3778180 (VCV003778180.7).
Genomic context (GRCh38, chrX:31,348,627, plus strand): 5'-TGCTGAGATGCTGGACCAAAGTCCCTGTGGGCTTCATGCAGCTGCCTGACTCGGTCCTCG[A>G]CGGCCACCTGGGAGGAAAAGGAGAGAAATGATGTTCTCTCATTCTATATAATGAGGAACA-3'
Protein context (NP_003997.2, residues 3021-3041): NTRWKLLQVA[Val3031Ala]EDRVRQLHEA

ClinVar aggregate classification (germline): Uncertain significance (1 of 4 stars; one submission).

Submission:

CeGaT Center for Human Genetics Tuebingen
Classification: Uncertain significance. Last evaluated: 2025-03-01. Review status: criteria provided, single submitter. Criteria: CeGaT Center For Human Genetics Tuebingen Variant Classification Criteria Version 2. Collection method: clinical testing. Allele origin: germline. Affected: yes. Observed: 1 variant allele.
Comment: DMD: PM2, BP4